The following is an entry in ClinVar:

NM_003590.5(CUL3):c.622_624del (p.Pro208del)

Gene: CUL3 (cullin 3; minus strand). Cytogenetic location: 2q36.2.
Variant type: Deletion.
Coding change: c.622_624del on transcript NM_003590.5 (MANE Select); coding-DNA positions 622 to 624, 3 bases deleted (CCT; older notation c.622_624delCCT).
Protein change: p.Pro208del; deletes proline 208.
Molecular consequence: inframe deletion.
Genome position (GRCh38, 1-based): chr2:224,513,554-224,513,556, AGG deleted on the plus strand (CCT on the coding strand, the reverse complement: CUL3 is on the minus strand); deleting any 3 consecutive bases within chr2:224,513,554-224,513,558 gives the same sequence; the c. name uses the placement nearest the transcript's 3' end. VCF-style (leftmost placement, unchanged base first): chr2-224513553-AAGG-A. GRCh37 (hg19) VCF-style: chr2-225378270-AAGG-A.
Other names: c.424_426del, p.Pro142del (NM_001257197.2); c.640_642del, p.Pro214del (NM_001257198.2); short protein forms P142del, P208del, P214del.
Identifiers: ClinVar variation 5020059 (VCV005020059.1).
Genomic context (GRCh38, chr2:224,513,553, plus strand): 5'-AAGATTATTTATTTACATTTTCACGGATTACCTGAAAAAATTCTGCAGACATTTCCAAAA[AAGG>A]AGCCTCAAAATCTTCTTCATAGACTGATCTTCCTTCGAGACCTAAAATCATTAACATCTG-3'

ClinVar aggregate classification (germline): Likely pathogenic (1 of 4 stars; one submission).

Conditions:
Neurodevelopmental disorder with or without autism or seizures (NEDAUS). Identifiers: MedGen C5543225, MONDO:0030994, OMIM 619239.

Submission:

Laboratorio de Genética, Hospital Universitario Reina Sofía
Classification: Likely pathogenic for Neurodevelopmental disorder with or without autism or seizures. Last evaluated: 2026-03-12. Review status: criteria provided, single submitter. Criteria: ACMG Guidelines, 2015. Collection method: clinical testing. Allele origin: de novo. Inheritance: Autosomal dominant inheritance. Affected: yes. Observed: 1 variant allele, 1 heterozygote.
Comment: This variant is classified as Likely Pathogenic as it meets the following ACMG/AMP criteria: PS2 (Strong), since NM_003590.5(CUL3):c.622_624del is confirmed de novo in the patient (with the standard caveat that low-level parental germline mosaicism cannot be fully excluded); PM4 (Moderate), as it is an in-frame deletion in a non-repeat region of CUL3, a gene in which pathogenic in-frame deletions affecting the CUL3 scaffold structure are the established disease mechanism for Familial Hyperkalemic Hypertension (FHHt/Gordon syndrome/PHAIIE) — notably, all canonical FHHt-causing CUL3 variants result in in-frame deletions within the 4-helix bundle domain (aa 403–459, exon 9 skipping), and a novel non-canonical in-frame deletion (CUL3Δ474–477) has also been functionally validated as pathogenic; and PM2 (Moderate), as the variant is absent or extremely rare in population databases; the combination of PS2_Strong + PM4_Moderate + PM2_Moderate is sufficient to meet the Likely Pathogenic threshold under ACMG/AMP rules, and the biological plausibility is strongly supported by the established dominant de novo nature of CUL3 variants in FHHt, where disruption of CUL3 ubiquitin ligase scaffold integrity leads to WNK kinase accumulation, NCC hyperactivation, and the classical triad of hypertension, hyperkalemia, and metabolic acidosis